The following is an entry in ClinVar:

NM_003558.4(PIP5K1B):c.855G>A (p.Glu285=)

Gene: PIP5K1B (phosphatidylinositol-4-phosphate 5-kinase type 1 beta; plus strand). Cytogenetic location: 9q21.11.
Variant type: single nucleotide variant.
Coding change: c.855G>A on transcript NM_003558.4 (MANE Select); coding-DNA position 855, G replaced by A.
Protein change: p.Glu285=; no amino-acid change (glutamic acid 285 retained).
Molecular consequence: synonymous variant.
Genome position (GRCh38, 1-based): chr9:68,917,631, G>A. VCF-style: chr9-68917631-G-A. GRCh37 (hg19) VCF-style: chr9-71532547-G-A.
Other names: c.855G>A, p.Glu285= (NM_001278253.2, NM_001376036.1, NM_001376037.1 and 3 more transcripts).
Identifiers: ClinVar variation 3067185 (VCV003067185.21), dbSNP rs61752951, ClinGen allele CA5072090.

ClinVar aggregate classification (germline): Likely benign (1 of 4 stars; one submission).

Allele frequency attached by ClinVar (database versions not stated): 1000 Genomes Project 30x 0.00250; 1000 Genomes Project 0.00280; TOPMed 0.00396; gnomAD 0.00421; ExAC 0.00488; ESP Exome Variant Server 0.00507; gnomAD exomes 0.00597.
gnomAD v4.1: 9,284 of 1,613,924 alleles (0.58%); highest among the groups gnomAD compares: Non-Finnish European, 0.68%; 35 homozygotes.

Submission:

CeGaT Center for Human Genetics Tuebingen
Classification: Likely benign. Last evaluated: 2024-03-01. Review status: criteria provided, single submitter. Criteria: CeGaT Center For Human Genetics Tuebingen Variant Classification Criteria Version 2. Collection method: clinical testing. Allele origin: germline. Affected: yes. Observed: 1 variant allele.
Comment: PIP5K1B: BP4, BP7, BS2